The following is an entry in ClinVar:

ClinVar aggregate classification (germline): Likely pathogenic. Review status: criteria provided, multiple submitters, no conflicts (2 of 4 stars). 3 submissions from 3 submitters: Likely pathogenic (2). 1 of the submissions does not count toward it. Last evaluated 2026-01-12.

Conditions:
Bardet-Biedl syndrome (BBS). Identifiers: Orphanet 110, MedGen C0752166, MONDO:0015229.
BBS4-related disorder. Also called: BBS4-related condition.

Allele frequency attached by ClinVar (database versions not stated): ExAC 0.00001; gnomAD exomes 0.00001; TOPMed 0.00001; gnomAD 0.00002; ESP Exome Variant Server 0.00008.
gnomAD v4.1: 23 of 1,601,456 alleles (0.0014%); highest among the groups gnomAD compares: Non-Finnish European, 0.0019%; no homozygotes.

Submissions (3):

Labcorp Genetics (formerly Invitae), Labcorp
Classification: Likely pathogenic for Bardet-Biedl syndrome. Last evaluated: 2026-01-12. Review status: criteria provided, single submitter. Criteria: Invitae Variant Classification Sherloc (09022015). Collection method: clinical testing. Allele origin: germline.
Comment: This sequence change affects an acceptor splice site in intron 5 of the BBS4 gene. It is expected to disrupt RNA splicing. Variants that disrupt the donor or acceptor splice site typically lead to a loss of protein function (PMID: 16199547), and loss-of-function variants in BBS4 are known to be pathogenic (PMID: 11381270, 12016587, 20177705, 26355662, 27894351). This variant is present in population databases (rs374525425, gnomAD 0.002%). Disruption of this splice site has been observed in individual(s) with inherited retinal disease (PMID: 35456422). ClinVar contains an entry for this variant (Variation ID: 1939366). Algorithms developed to predict the effect of sequence changes on RNA splicing suggest that this variant may disrupt the consensus splice site. In summary, the currently available evidence indicates that the variant is pathogenic, but additional data are needed to prove that conclusively. Therefore, this variant has been classified as Likely Pathogenic.

Blueprint Genetics
Classification: Likely pathogenic for BBS4-related disorders. Last evaluated: 2021-04-21. Review status: criteria provided, single submitter. Criteria: ACMG Guidelines, 2015. Collection method: clinical testing. Allele origin: germline. Affected: yes. Observed: 1 variant allele.

PreventionGenetics, part of Exact Sciences
Classification: Pathogenic for BBS4-related condition. Last evaluated: 2024-07-25. Review status: no assertion criteria provided. Collection method: clinical testing. Allele origin: germline. Not counted in ClinVar's aggregate classification.
Comment: The BBS4 c.333-2A>C variant is predicted to disrupt the AG splice acceptor site and interfere with normal splicing. This variant has been reported in an individual with congenital stationary night blindness (Table S2, Zhu et al. 2022. PubMed ID: 35456422) and reported as likely pathogenic in a carrier study (Table S3, Hanany et al. 2020. PubMed ID: 31964843). This variant is reported in 0.0024% of alleles in individuals of European (Non-Finnish) descent in gnomAD. Variants that disrupt the consensus splice acceptor site in BBS4 are expected to be pathogenic. This variant is interpreted as pathogenic.

Literature cited by the submitters: PubMed 16199547 (cited by Labcorp Genetics (formerly Invitae), Labcorp); PubMed 11381270 (cited by Labcorp Genetics (formerly Invitae), Labcorp); PubMed 12016587 (cited by Labcorp Genetics (formerly Invitae), Labcorp); PubMed 20177705 (cited by Labcorp Genetics (formerly Invitae), Labcorp); PubMed 26355662 (cited by Labcorp Genetics (formerly Invitae), Labcorp); PubMed 27894351 (cited by Labcorp Genetics (formerly Invitae), Labcorp); PubMed 35456422 (cited by Labcorp Genetics (formerly Invitae), Labcorp).

NM_033028.5(BBS4):c.333-2A>C

Gene: BBS4 (Bardet-Biedl syndrome 4; plus strand). Cytogenetic location: 15q24.1.
Variant type: single nucleotide variant.
Coding change: c.333-2A>C on transcript NM_033028.5 (MANE Select); the canonical splice acceptor site of the intron before coding-DNA position 333, A replaced by C.
Molecular consequence: splice acceptor variant.
Genome position (GRCh38, 1-based): chr15:72,716,776, A>C. VCF-style: chr15-72716776-A-C. GRCh37 (hg19) VCF-style: chr15-73009117-A-C.
Other names: c.333-2A>C (NM_001320665.2, NM_033028.4); c.-189-2A>C (NM_001252678.2).
Identifiers: ClinVar variation 1939366 (VCV001939366.10), dbSNP rs374525425, ClinGen allele CA7646595.
Genomic context (GRCh38, chr15:72,716,776, plus strand): 5'-CTAGTAGGGTTAGTCTTCTAAGAATTTTGAGGTAATAATTATGGAAAATATATCTTTTAC[A>C]GATTTCTTTTGGGAAAACATAAAGCTGCCATTGAAGTATATAATGAAGCAGCTAAACTCA-3'